The following is an entry in ClinVar:

NM_005228.5(EGFR):c.2556G>C (p.Lys852Asn)

Gene: EGFR (epidermal growth factor receptor; plus strand). Cytogenetic location: 7p11.2.
Variant type: single nucleotide variant.
Coding change: c.2556G>C on transcript NM_005228.5 (MANE Select); coding-DNA position 2556, G replaced by C.
Protein change: p.Lys852Asn; replaces lysine 852 with asparagine.
Molecular consequence: missense variant.
Genome position (GRCh38, 1-based): chr7:55,191,805, G>C. VCF-style: chr7-55191805-G-C. GRCh37 (hg19) VCF-style: chr7-55259498-G-C.
Other names: c.2421G>C, p.Lys807Asn (NM_001346897.2, NM_001346899.2); c.2556G>C, p.Lys852Asn (NM_001346898.2); c.2397G>C, p.Lys799Asn (NM_001346900.2); c.1755G>C, p.Lys585Asn (NM_001346941.2); short protein forms K585N, K799N, K852N, K807N.
Identifiers: ClinVar variation 2973266 (VCV002973266.3), dbSNP rs1368081699, ClinGen allele CA367580239.
Genomic context (GRCh38, chr7:55,191,805, plus strand): 5'-CTTGGTGCACCGCGACCTGGCAGCCAGGAACGTACTGGTGAAAACACCGCAGCATGTCAA[G>C]ATCACAGATTTTGGGCTGGCCAAACTGCTGGGTGCGGAAGAGAAAGAATACCATGCAGAA-3'
Protein context (NP_005219.2, residues 842-862): NVLVKTPQHV[Lys852Asn]ITDFGLAKLL

ClinVar aggregate classification (germline): Uncertain significance (1 of 4 stars; one submission).

Conditions:
EGFR-related lung cancer (EGFR). Identifiers: MedGen CN130014.

gnomAD v4.1: 1 of 1,614,112 alleles (0.000062%); highest among the groups gnomAD compares: Non-Finnish European, 0.000085%; no homozygotes.

Submission:

Labcorp Genetics (formerly Invitae), Labcorp
Classification: Uncertain significance for EGFR-related lung cancer. Last evaluated: 2023-04-08. Review status: criteria provided, single submitter. Criteria: Invitae Variant Classification Sherloc (09022015). Collection method: clinical testing. Allele origin: germline.
Comment: Advanced modeling of protein sequence and biophysical properties (such as structural, functional, and spatial information, amino acid conservation, physicochemical variation, residue mobility, and thermodynamic stability) performed at Invitae indicates that this missense variant is expected to disrupt EGFR protein function. This variant has not been reported in the literature in individuals affected with EGFR-related conditions. This variant is not present in population databases (gnomAD no frequency). This sequence change replaces lysine, which is basic and polar, with asparagine, which is neutral and polar, at codon 852 of the EGFR protein (p.Lys852Asn). In summary, the available evidence is currently insufficient to determine the role of this variant in disease. Therefore, it has been classified as a Variant of Uncertain Significance.